The following is an entry in ClinVar:

ClinVar aggregate classification (germline): Likely benign (1 of 4 stars; one submission).

Submission:

GeneDx
Classification: Likely benign. Last evaluated: 2018-06-14. Review status: criteria provided, single submitter. Criteria: GeneDx Variant Classification (06012015). Collection method: clinical testing. Allele origin: germline. Affected: yes.
Comment: This variant is considered likely benign or benign based on one or more of the following criteria: it is a conservative change, it occurs at a poorly conserved position in the protein, it is predicted to be benign by multiple in silico algorithms, and/or has population frequency not consistent with disease.

NM_003282.4(TNNI2):c.16-15_16-9del

Genes: TNNI2 (troponin I2, fast skeletal type; plus strand), LOC130005124 (ATAC-STARR-seq lymphoblastoid silent region 3063; plus strand). Cytogenetic location: 11p15.5.
Variant type: Deletion.
Coding change: c.16-15_16-9del on transcript NM_003282.4 (MANE Select); 15 bases into the intron before coding-DNA position 16 through 9 bases into the intron before coding-DNA position 16, 7 bases deleted (TCCCCTG; older notation c.16-15_16-9delTCCCCTG).
Molecular consequence: intron variant.
Genome position (GRCh38, 1-based): chr11:1,840,388-1,840,394, TCCCCTG deleted; deleting any 7 consecutive bases within chr11:1,840,382-1,840,394 gives the same sequence; the c. name uses the placement nearest the transcript's 3' end. VCF-style (leftmost placement, unchanged base first): chr11-1840381-CCCCCTGT-C. GRCh37 (hg19) VCF-style: chr11-1861611-CCCCCTGT-C.
Other names: c.16-15_16-9del (NM_001145829.2, NM_001145841.2).
Identifiers: ClinVar variation 671882 (VCV000671882.1), dbSNP rs761671204, ClinGen allele CA5815049.